The following is an entry in ClinVar:

ClinVar aggregate classification (germline): Conflicting classifications of pathogenicity. Review status: criteria provided, conflicting classifications (1 of 4 stars). 2 submissions from 2 submitters: Uncertain significance (1); Likely benign (1). Last evaluated 2022-02-05.

Conditions:
Myofibrillar myopathy 4. Also called: Zaspopathy (type). Identifiers: Orphanet 98912, MedGen C4721886, MONDO:0012277, OMIM 609452.

Allele frequency attached by ClinVar (database versions not stated): ExAC 0.00001.

Submissions (2):

Labcorp Genetics (formerly Invitae), Labcorp
Classification: Uncertain significance for Myofibrillar myopathy 4. Last evaluated: 2022-02-05. Review status: criteria provided, single submitter. Criteria: Invitae Variant Classification Sherloc (09022015). Collection method: clinical testing. Allele origin: germline.
Comment: In summary, the available evidence is currently insufficient to determine the role of this variant in disease. Therefore, it has been classified as a Variant of Uncertain Significance. This variant has not been reported in the literature in individuals affected with LDB3-related conditions. The frequency data for this variant in the population databases is considered unreliable, as metrics indicate poor data quality at this position in the gnomAD database. This sequence change creates a premature translational stop signal (p.Ser432Profs*60) in the LDB3 gene. It is expected to result in an absent or disrupted protein product. However, the current clinical and genetic evidence is not sufficient to establish whether loss-of-function variants in LDB3 cause disease. The LDB3 gene has multiple clinically relevant transcripts. This variant occurs in alternate transcript NM_007078.3, and corresponds to NM_001080116.1:c.*17015del in the primary transcript.

Blueprint Genetics
Classification: Likely benign. Last evaluated: 2018-02-09. Review status: criteria provided, single submitter. Criteria: ACMG Guidelines, 2015. Collection method: clinical testing. Allele origin: germline.

NM_007078.3(LDB3):c.1294del (p.Ser432fs)

Gene: LDB3 (LIM domain binding 3; plus strand). Cytogenetic location: 10q23.2.
Variant type: Deletion.
Coding change: c.1294del on transcript NM_007078.3 (MANE Select); coding-DNA position 1294, one base deleted (T; older notation c.1294delT).
Protein change: p.Ser432fs; shifts the reading frame from serine 432.
Molecular consequence: frameshift variant.
Genome position (GRCh38, 1-based): chr10:86,716,389, T deleted. VCF-style (leftmost placement, unchanged base first): chr10-86716388-CT-C. GRCh37 (hg19) VCF-style: chr10-88476145-CT-C.
Other names: c.964del, p.Ser322fs (NM_001080114.2); c.1309del, p.Ser437fs (NM_001171610.2); c.1105del, p.Ser369fs (NM_001368064.1, NM_001368065.1); c.1153del, p.Ser385fs (NM_001368066.1); short protein forms S322fs, S369fs, S385fs, S432fs, S437fs.
Identifiers: ClinVar variation 1058554 (VCV001058554.8), dbSNP rs756413215, ClinGen allele CA5585118.